The following is an entry in ClinVar:

NM_004136.4(IREB2):c.2452C>T (p.His818Tyr)

Gene: IREB2 (iron responsive element binding protein 2; plus strand). Cytogenetic location: 15q25.1.
Variant type: single nucleotide variant.
Coding change: c.2452C>T on transcript NM_004136.4 (MANE Select); coding-DNA position 2452, C replaced by T.
Protein change: p.His818Tyr; replaces histidine 818 with tyrosine.
Molecular consequence: missense variant.
Genome position (GRCh38, 1-based): chr15:78,494,036, C>T. VCF-style: chr15-78494036-C-T. GRCh37 (hg19) VCF-style: chr15-78786378-C-T.
Other names: c.2452C>T (NM_004136.2); c.1702C>T, p.His568Tyr (NM_001320941.2); c.2281C>T, p.His761Tyr (NM_001320942.2, NM_001354994.2); short protein forms H761Y, H818Y, H568Y.
Identifiers: ClinVar variation 2148207 (VCV002148207.5), dbSNP rs764732556, ClinGen allele CA7683239.
Genomic context (GRCh38, chr15:78,494,036, plus strand): 5'-ACTTTTGCAAATATCAAGCTTTTTAATAAGTTTATTGGAAAACCAGCTCCTAAAACAATT[C>T]ATTTTCCATCAGGACAGACGGTGAGAATGCAAACAAAGTATTTAGACAATTTATAACTGG-3'
Protein context (NP_004127.2, residues 808-828): FIGKPAPKTI[His818Tyr]FPSGQTLDVF

ClinVar aggregate classification (germline): Uncertain significance. Review status: criteria provided, multiple submitters, no conflicts (2 of 4 stars). 2 submissions from 2 submitters: Uncertain significance (2). Last evaluated 2025-06-09.

Conditions:
Inborn genetic diseases. Identifiers: MedGen C0950123, MeSH D030342.

Allele frequency attached by ClinVar (database versions not stated): gnomAD 0.00001; TOPMed 0.00001; gnomAD exomes 0.00002; ExAC 0.00005.
gnomAD v4.1: 30 of 1,613,974 alleles (0.0019%); highest among the groups gnomAD compares: Non-Finnish European, 0.0024%; no homozygotes.

Submissions (2):

Ambry Genetics
Classification: Uncertain significance for Inborn genetic diseases. Last evaluated: 2025-06-09. Review status: criteria provided, single submitter. Criteria: Ambry Variant Classification Scheme 2023. Collection method: clinical testing. Allele origin: germline.

Labcorp Genetics (formerly Invitae), Labcorp
Classification: Uncertain significance. Last evaluated: 2024-01-25. Review status: criteria provided, single submitter. Criteria: Invitae Variant Classification Sherloc (09022015). Collection method: clinical testing. Allele origin: germline.
Comment: This sequence change replaces histidine, which is basic and polar, with tyrosine, which is neutral and polar, at codon 818 of the IREB2 protein (p.His818Tyr). This variant is present in population databases (rs764732556, gnomAD 0.008%). This variant has not been reported in the literature in individuals affected with IREB2-related conditions. ClinVar contains an entry for this variant (Variation ID: 2148207). An algorithm developed to predict the effect of missense changes on protein structure and function (PolyPhen-2) suggests that this variant is likely to be disruptive. In summary, the available evidence is currently insufficient to determine the role of this variant in disease. Therefore, it has been classified as a Variant of Uncertain Significance.